The following is an entry in ClinVar:

ClinVar aggregate classification (germline): Uncertain significance (1 of 4 stars; one submission).

Conditions:
Cardiovascular phenotype. Identifiers: MedGen CN230736.

Submission:

Ambry Genetics
Classification: Uncertain significance for Cardiovascular phenotype. Last evaluated: 2023-12-30. Review status: criteria provided, single submitter. Criteria: Ambry Variant Classification Scheme 2023. Collection method: clinical testing. Allele origin: germline.
Comment: The p.T519I variant (also known as c.1556C>T), located in coding exon 2 of the TNXB gene, results from a C to T substitution at nucleotide position 1556. The threonine at codon 519 is replaced by isoleucine, an amino acid with similar properties. This amino acid position is conserved. In addition, this alteration is predicted to be tolerated by in silico analysis. Since supporting evidence is limited at this time, the clinical significance of this alteration remains unclear.

NM_001365276.2(TNXB):c.1556C>T (p.Thr519Ile)

Gene: TNXB (tenascin XB; minus strand). Cytogenetic location: 6p21.33.
Variant type: single nucleotide variant.
Coding change: c.1556C>T on transcript NM_001365276.2 (MANE Select); coding-DNA position 1556, C replaced by T.
Protein change: p.Thr519Ile; replaces threonine 519 with isoleucine.
Molecular consequence: missense variant.
Genome position (GRCh38, 1-based): chr6:32,096,297, G>A on the plus strand (C>T on the coding strand, the complement: TNXB is on the minus strand). VCF-style: chr6-32096297-G-A. GRCh37 (hg19) VCF-style: chr6-32064074-G-A.
Other names: c.1556C>T, p.Thr519Ile (NM_001428335.1, NM_019105.8); short protein forms T519I.
Identifiers: ClinVar variation 3227242 (VCV003227242.1), dbSNP rs2483756480, ClinGen allele CA363479979.